The following is an entry in ClinVar:

ClinVar aggregate classification (germline): Uncertain significance (1 of 4 stars; one submission).

Conditions:
POMT1-related disorder. Also called: POMT1-related condition; POMT1-related disorders.

Submission:

PreventionGenetics, part of Exact Sciences
Classification: Uncertain significance for POMT1-related condition. Last evaluated: 2023-09-14. Review status: criteria provided, single submitter. Criteria: ACMG Guidelines, 2015. Collection method: clinical testing. Allele origin: germline.
Comment: The POMT1 c.427+2_427+3insTT variant is predicted to result in an in-frame amino acid insertion (Intronic). This variant is predicted to affect the consensus donor splice site (SpliceAI, Jaganathan et al. 2019. PubMed ID: 30661751). However, such computer prediction programs are imperfect. To our knowledge, this variant has not been reported in the literature or in a large population database, indicating this variant is rare. A nearby variant affecting the canonical splice site, c.427+1G>A, has been reported in patient from a neuropediatric cohort (Table S6 and S3, van der Ven AT et al. 2021. PubMed ID: 34490615). Although we suspect that this variant may be pathogenic, at this time, the clinical significance of this variant is uncertain due to the absence of conclusive functional and genetic evidence.

NM_001077365.2(POMT1):c.427+2_427+3insTT

Gene: POMT1 (protein O-mannosyltransferase 1; plus strand). Cytogenetic location: 9q34.13.
Variant type: Insertion.
Coding change: c.427+2_427+3insTT on transcript NM_001077365.2 (MANE Select); the canonical splice donor site of the intron after coding-DNA position 427 through 3 bases into the intron after coding-DNA position 427, TT inserted.
Molecular consequence: splice donor variant. On other transcripts: intron variant (3).
Genome position: GRCh38 VCF-style: chr9-131507515-G-GTT. GRCh37 (hg19) VCF-style: chr9-134382902-G-GTT.
Other names: c.265+2_265+3insTT (NM_001353198.2, NM_001353194.2, NM_001374689.1 and 3 more transcripts); c.427+2_427+3insTT (NM_001353193.2, NM_001136113.2, NM_007171.4 and 1 more transcripts); c.76+2_76+3insTT (NM_001374691.1, NM_001353195.2, NM_001374692.1 and 2 more transcripts); c.337+2_337+3insTT (NM_001353196.2); c.-29-1395_-29-1394insTT (NM_001374695.1); c.-710+1063_-710+1064insTT (NM_001411024.1); c.-30+1063_-30+1064insTT (NM_001353200.2).
Identifiers: ClinVar variation 2628680 (VCV002628680.1), dbSNP rs1946119138, ClinGen allele CA1881745169.